The following is an entry in ClinVar:

ClinVar aggregate classification (germline): Likely benign. Review status: criteria provided, multiple submitters, no conflicts (2 of 4 stars). 2 submissions from 2 submitters: Likely benign (2). Last evaluated 2025-01-01.

Allele frequency attached by ClinVar (database versions not stated): gnomAD exomes below 0.00001; TOPMed below 0.00001.
gnomAD v4.1: 5 of 1,614,116 alleles (0.00031%); highest among the groups gnomAD compares: Admixed American, 0.0017%; no homozygotes.

Submissions (2):

CeGaT Center for Human Genetics Tuebingen
Classification: Likely benign. Last evaluated: 2025-01-01. Review status: criteria provided, single submitter. Criteria: CeGaT Center For Human Genetics Tuebingen Variant Classification Criteria Version 2. Collection method: clinical testing. Allele origin: germline. Affected: yes. Observed: 1 variant allele.
Comment: TPO: BP4, BP7

Labcorp Genetics (formerly Invitae), Labcorp
Classification: Likely benign. Last evaluated: 2023-12-29. Review status: criteria provided, single submitter. Criteria: Invitae Variant Classification Sherloc (09022015). Collection method: clinical testing. Allele origin: germline.

NM_001206744.2(TPO):c.1440T>C (p.Thr480=)

Gene: TPO (thyroid peroxidase; plus strand). Cytogenetic location: 2p25.3.
Variant type: single nucleotide variant.
Coding change: c.1440T>C on transcript NM_001206744.2 (MANE Select); coding-DNA position 1440, T replaced by C.
Protein change: p.Thr480=; no amino-acid change (threonine 480 retained).
Molecular consequence: synonymous variant.
Genome position (GRCh38, 1-based): chr2:1,484,697, T>C. VCF-style: chr2-1484697-T-C. GRCh37 (hg19) VCF-style: chr2-1488469-T-C.
Other names: c.1440T>C, p.Thr480= (NM_000547.6, NM_001206745.2, NM_175719.4 and 1 more transcripts); c.921T>C, p.Thr307= (NM_175722.3).
Identifiers: ClinVar variation 2977795 (VCV002977795.16), dbSNP rs1386179062, ClinGen allele CA424503422.